The following is an entry in ClinVar:

ClinVar aggregate classification (germline): Uncertain significance (1 of 4 stars; one submission).

Conditions:
Hereditary sensory and autonomic neuropathy type 1 (HSAN1). Also called: HSAN 1; HSN Type I; Hereditary Sensory Neuropathy Type I. Identifiers: Orphanet 36386, MedGen C0020071, MONDO:0018213.

Submission:

Labcorp Genetics (formerly Invitae), Labcorp
Classification: Uncertain significance for Hereditary sensory and autonomic neuropathy type 1. Last evaluated: 2022-12-31. Review status: criteria provided, single submitter. Criteria: Invitae Variant Classification Sherloc (09022015). Collection method: clinical testing. Allele origin: germline.
Comment: In summary, the available evidence is currently insufficient to determine the role of this variant in disease. Therefore, it has been classified as a Variant of Uncertain Significance. Algorithms developed to predict the effect of sequence changes on RNA splicing suggest that this variant may disrupt the consensus splice site. This variant has not been reported in the literature in individuals affected with SPTLC1-related conditions. This variant is not present in population databases (gnomAD no frequency). This sequence change affects the initiator methionine of the SPTLC1 mRNA. The next in-frame methionine is located at codon 13.

NM_006415.4(SPTLC1):c.-1_19del (p.Met1fs)

Gene: SPTLC1 (serine palmitoyltransferase long chain base subunit 1; minus strand). Cytogenetic location: 9q22.31.
Variant type: Deletion.
Coding change: c.-1_19del on transcript NM_006415.4 (MANE Select); 1 bases upstream of the start codon through coding-DNA position 19, 20 bases deleted (TATGGCGACCGCCACGGAGC).
Protein change: p.Met1fs; shifts the reading frame from methionine 1.
Molecular consequence: frameshift variant, initiator codon variant. On other transcripts: 5 prime UTR variant (2).
Genome position (GRCh38, 1-based): chr9:92,115,352-92,115,371, GCTCCGTGGCGGTCGCCATA deleted on the plus strand (TATGGCGACCGCCACGGAGC on the coding strand, the reverse complement: SPTLC1 is on the minus strand); deleting any 20 consecutive bases within chr9:92,115,352-92,115,372 gives the same sequence; the c. name uses the placement nearest the transcript's 3' end. VCF-style (leftmost placement, unchanged base first): chr9-92115351-TGCTCCGTGGCGGTCGCCATA-T. GRCh37 (hg19) VCF-style: chr9-94877633-TGCTCCGTGGCGGTCGCCATA-T.
Other names: c.-1_19del, p.Met1fs (NM_001281303.2, NM_178324.3); c.-500_-481del (NM_001368272.1); c.-611_-592del (NM_001368273.1); short protein forms M1fs.
Identifiers: ClinVar variation 2825335 (VCV002825335.3), dbSNP rs2538540313, ClinGen allele CA2739269354.